The following is an entry in ClinVar:

ClinVar aggregate classification (germline): Uncertain significance (1 of 4 stars; one submission).

Conditions:
Frontometaphyseal dysplasia 1 (FMD1). Also called: Frontometaphyseal Dysplasia (FLNA-FMD). Identifiers: Orphanet 1826, MedGen C4281559, MONDO:0024550, OMIM 305620.

Submission:

Neuberg Centre For Genomic Medicine, NCGM
Classification: Uncertain significance for Frontometaphyseal dysplasia 1. Last evaluated: 2023-05-20. Review status: criteria provided, single submitter. Criteria: ACMG Guidelines, 2015. Collection method: clinical testing. Allele origin: germline. Inheritance: X-linked recessive inheritance. Affected: yes.
Comment: The splice region variant c.3207+8G>A in FLNA gene has not been reported previously as a pathogenic variant nor as a benign variant, to our knowledge. The variant is absent in gnomAD Exomes. This splice region variant in intron 21 affects the position eight nucleotides downstream of exon 21. The variant is predicted to be damaging as per SpliceAI prediction tool. For these reasons, this variant has been classified as Uncertain Significance (VUS).

NM_001110556.2(FLNA):c.3207+8G>A

Gene: FLNA (filamin A; minus strand). Cytogenetic location: Xq28.
Variant type: single nucleotide variant.
Coding change: c.3207+8G>A on transcript NM_001110556.2 (MANE Select); 8 bases into the intron after coding-DNA position 3207, G replaced by A.
Molecular consequence: intron variant.
Genome position (GRCh38, 1-based): chrX:154,361,300, C>T on the plus strand (G>A on the coding strand, the complement: FLNA is on the minus strand). VCF-style: chrX-154361300-C-T. GRCh37 (hg19) VCF-style: chrX-153589668-C-T.
Other names: c.3207+8G>A (NM_001456.4).
Identifiers: ClinVar variation 3341361 (VCV003341361.1).